The following is an entry in ClinVar:

ClinVar aggregate classification (germline): Pathogenic/Likely pathogenic. Review status: criteria provided, multiple submitters, no conflicts (2 of 4 stars). 4 submissions from 4 submitters: Pathogenic (3); Likely pathogenic (1). Last evaluated 2025-01-06.

Conditions:
Early-infantile DEE. Also called: Ohtahara syndrome; Early infantile epileptic encephalopathy with suppression bursts; Early infantile epileptic encephalopathy. Identifiers: Orphanet 1934, MedGen C0393706, MONDO:0800491.
Generalized epilepsy with febrile seizures plus, type 1 (GEFSP1). Also called: GEFS+, TYPE 1. Identifiers: Orphanet 36387, MedGen C1858672, MONDO:0011416, OMIM 604233.

Allele frequency attached by ClinVar (database versions not stated): gnomAD exomes below 0.00001.
gnomAD v4.1: 2 of 1,614,140 alleles (0.00012%); highest among the groups gnomAD compares: Non-Finnish European, 0.00017%; no homozygotes.

Submissions (5):

GeneDx
Classification: Pathogenic. Last evaluated: 2025-01-06. Review status: criteria provided, single submitter. Criteria: GeneDx Variant Classification Process June 2021. Collection method: clinical testing. Allele origin: germline. Affected: yes.
Comment: Published functional studies demonstrate a damaging effect on current amplitude, cell surface expression, and residual current gating properties (PMID: 25576396); Segregates with disease in many affected individuals from several families with SCN1A-related epilepsy in published literature (PMID: 25576396, 27066544); Not observed at significant frequency in large population cohorts (gnomAD); In silico analysis supports that this missense variant has a deleterious effect on protein structure/function; This substitution is predicted to be within the pore forming loop between the S5 and S6 transmembrane segments of the second homologous domain; This variant is associated with the following publications: (PMID: 30977726, 32193085, 33453592, 31782251, 27066544, 25576396, 35074891)

Revvity Omics, Revvity
Classification: Pathogenic. Last evaluated: 2024-11-15. Review status: criteria provided, single submitter. Criteria: ACMG Guidelines, 2015. Collection method: clinical testing. Allele origin: germline.

Labcorp Genetics (formerly Invitae), Labcorp
Classification: Pathogenic for Early-infantile DEE. Last evaluated: 2024-02-15. Review status: criteria provided, single submitter. Criteria: Invitae Variant Classification Sherloc (09022015). Collection method: clinical testing. Allele origin: germline.
Comment: This sequence change replaces methionine, which is neutral and non-polar, with threonine, which is neutral and polar, at codon 956 of the SCN1A protein (p.Met956Thr). This variant is not present in population databases (gnomAD no frequency). This missense change has been observed in individual(s) with clinical features of generalized epilepsy with febrile seizures (PMID: 25576396, 27066544). It has also been observed to segregate with disease in related individuals. ClinVar contains an entry for this variant (Variation ID: 915838). Advanced modeling of protein sequence and biophysical properties (such as structural, functional, and spatial information, amino acid conservation, physicochemical variation, residue mobility, and thermodynamic stability) performed at Invitae indicates that this missense variant is expected to disrupt SCN1A protein function with a positive predictive value of 95%. Experimental studies have shown that this missense change affects SCN1A function (PMID: 25576396). For these reasons, this variant has been classified as Pathogenic.

Molecular Diagnostics Laboratory, M Health Fairview: University of Minnesota
Classification: Likely pathogenic for Generalized epilepsy with febrile seizures plus, type 1. Last evaluated: 2019-12-20. Review status: criteria provided, single submitter. Criteria: ACMG Guidelines, 2015. Collection method: clinical testing. Allele origin: germline. Affected: yes. Observed: 1 variant allele.

Channelopathy-Associated Epilepsy Research Center
No classification provided (evidence only). Condition: Severe myoclonic epilepsy in infancy. Review status: no classification provided. Collection method: literature only. Allele origin: not applicable. Functional consequence: Moderate decrease in peak current, Normal voltage dependence of activation, Normal slope of activation, Normal voltage dependence of fast inactivation, Normal slope of fast inactivation, Normal rate of recovery from fast inactivation, Normal persistent current, Increase of decay in current amplitude in use dependence, Overall loss-of-function effect with respect to biophysical channel activity, Normal rate of activation. Not counted in ClinVar's aggregate classification.
ClinVar note: "not provided" was previously submitted as the classification for the variant. However, the classification appeared to be based only on an observation of functional data so it was converted to no classification on 2025-07-30.

Literature cited by the submitters: PubMed 25576396 (cited by Labcorp Genetics (formerly Invitae), Labcorp and Channelopathy-Associated Epilepsy Research Center); PubMed 27066544 (cited by Labcorp Genetics (formerly Invitae), Labcorp).

NM_001165963.4(SCN1A):c.2867T>C (p.Met956Thr)

Gene: SCN1A (sodium voltage-gated channel alpha subunit 1; minus strand). Cytogenetic location: 2q24.3.
Variant type: single nucleotide variant.
Coding change: c.2867T>C on transcript NM_001165963.4 (MANE Select); coding-DNA position 2867, T replaced by C.
Protein change: p.Met956Thr; replaces methionine 956 with threonine.
Molecular consequence: missense variant. On other transcripts: non-coding transcript variant (1).
Genome position (GRCh38, 1-based): chr2:166,037,855, A>G on the plus strand (T>C on the coding strand, the complement: SCN1A is on the minus strand). VCF-style: chr2-166037855-A-G. GRCh37 (hg19) VCF-style: chr2-166894365-A-G.
Other names: c.2867T>C (NM_001165963.3); c.2783T>C, p.Met928Thr (NM_001165964.3, NM_001353957.2, NM_001353958.2); c.2867T>C, p.Met956Thr (NM_001202435.3, NM_001353948.2); c.2834T>C, p.Met945Thr (NM_001353949.2, NM_001353950.2, NM_001353951.2 and 2 more transcripts); c.2831T>C, p.Met944Thr (NM_001353954.2, NM_001353955.2); c.2780T>C, p.Met927Thr (NM_001353960.2); c.425T>C, p.Met142Thr (NM_001353961.2); short protein forms M927T, M944T, M945T, M928T, M956T, M142T.
Identifiers: ClinVar variation 915838 (VCV000915838.13), dbSNP rs1696619508, ClinGen allele CA349061088.
Genomic context (GRCh38, chr2:166,037,855, plus strand): 5'-ATGACCATCATGAAGACAGTAAGGCACATGGCTTGACCAGCAACCTCCATACAGTCCCAC[A>G]TGGTCTCTATCCACTCCCCACACAGCACGCGGAACACAATCAGGAAGGAGTGGAAGAAGT-3'
Protein context (NP_001159435.1, residues 946-966): RVLCGEWIET[Met956Thr]WDCMEVAGQA